The following is an entry in ClinVar:

NM_004260.4(RECQL4):c.1995C>T (p.His665=)

Gene: RECQL4 (RecQ like helicase 4; minus strand). Cytogenetic location: 8q24.3.
Variant type: single nucleotide variant.
Coding change: c.1995C>T on transcript NM_004260.4 (MANE Select); coding-DNA position 1995, C replaced by T.
Protein change: p.His665=; no amino-acid change (histidine 665 retained).
Molecular consequence: synonymous variant.
Genome position (GRCh38, 1-based): chr8:144,513,991, G>A on the plus strand (C>T on the coding strand, the complement: RECQL4 is on the minus strand). VCF-style: chr8-144513991-G-A. GRCh37 (hg19) VCF-style: chr8-145739375-G-A.
Identifiers: ClinVar variation 414243 (VCV000414243.19), dbSNP rs759235313, ClinGen allele CA4948550.

ClinVar aggregate classification (germline): Likely benign. Review status: criteria provided, multiple submitters, no conflicts (2 of 4 stars). 4 submissions from 4 submitters: Likely benign (4). Last evaluated 2026-02-01.

Conditions:
Inborn genetic diseases. Identifiers: MedGen C0950123, MeSH D030342.
Baller-Gerold syndrome (BGS). Also called: CRANIOSYNOSTOSIS WITH RADIAL DEFECTS. Identifiers: Orphanet 1225, MedGen C0265308, MONDO:0009039, OMIM 218600.

Allele frequency attached by ClinVar (database versions not stated): gnomAD 0.00001; gnomAD exomes 0.00002; TOPMed 0.00003; ExAC 0.00005.
gnomAD v4.1: 52 of 1,566,938 alleles (0.0033%); highest among the groups gnomAD compares: Middle Eastern, 0.051%; no homozygotes.

Submissions (4):

Labcorp Genetics (formerly Invitae), Labcorp
Classification: Likely benign for Baller-Gerold syndrome. Last evaluated: 2026-02-01. Review status: criteria provided, single submitter. Criteria: Invitae Variant Classification Sherloc (09022015). Collection method: clinical testing. Allele origin: germline.

CeGaT Center for Human Genetics Tuebingen
Classification: Likely benign. Last evaluated: 2025-09-01. Review status: criteria provided, single submitter. Criteria: CeGaT Center For Human Genetics Tuebingen Variant Classification Criteria Version 2. Collection method: clinical testing. Allele origin: germline. Affected: yes. Observed: 2 variant alleles.
Comment: RECQL4: BP4, BP7

Ambry Genetics
Classification: Likely benign for Inborn genetic diseases. Last evaluated: 2024-11-24. Review status: criteria provided, single submitter. Criteria: Ambry Variant Classification Scheme 2023. Collection method: clinical testing. Allele origin: germline.

Blueprint Genetics
Classification: Likely benign. Last evaluated: 2024-10-22. Review status: criteria provided, single submitter. Criteria: ACMG Guidelines, 2015. Collection method: clinical testing. Allele origin: germline.